The following is an entry in ClinVar:

NM_133259.4(LRPPRC):c.255G>A (p.Trp85Ter)

Gene: LRPPRC (leucine rich pentatricopeptide repeat containing; minus strand). Cytogenetic location: 2p21.
Variant type: single nucleotide variant.
Coding change: c.255G>A on transcript NM_133259.4 (MANE Select); coding-DNA position 255, G replaced by A.
Protein change: p.Trp85Ter; replaces tryptophan 85 with a stop codon.
Molecular consequence: nonsense.
Genome position (GRCh38, 1-based): chr2:43,982,329, C>T on the plus strand (G>A on the coding strand, the complement: LRPPRC is on the minus strand). VCF-style: chr2-43982329-C-T. GRCh37 (hg19) VCF-style: chr2-44209468-C-T.
Other names: short protein forms W85*.
Identifiers: ClinVar variation 1365851 (VCV001365851.7), dbSNP rs2103745422, ClinGen allele CA346678230.

ClinVar aggregate classification (germline): Pathogenic/Likely pathogenic. Review status: criteria provided, multiple submitters, no conflicts (2 of 4 stars). 2 submissions from 2 submitters: Pathogenic (1); Likely pathogenic (1). Last evaluated 2024-02-25.

Conditions:
Congenital lactic acidosis, Saguenay-Lac-Saint-Jean type (MC4DN5). Also called: CYTOCHROME c OXIDASE DEFICIENCY, FRENCH CANADIAN TYPE; COX DEFICIENCY, FRENCH CANADIAN TYPE; MITOCHONDRIAL COMPLEX IV DEFICIENCY, NUCLEAR TYPE 5. Identifiers: Orphanet 70472, MedGen C1857355, MONDO:0009069, OMIM 220111.

Submissions (2):

Baylor Genetics
Classification: Likely pathogenic for Congenital lactic acidosis, Saguenay-Lac-Saint-Jean type. Last evaluated: 2024-02-25. Review status: criteria provided, single submitter. Criteria: ACMG Guidelines, 2015. Collection method: clinical testing. Allele origin: unknown.

Labcorp Genetics (formerly Invitae), Labcorp
Classification: Pathogenic. Last evaluated: 2021-05-31. Review status: criteria provided, single submitter. Criteria: Invitae Variant Classification Sherloc (09022015). Collection method: clinical testing. Allele origin: germline.
Comment: This variant is not present in population databases (ExAC no frequency). This sequence change creates a premature translational stop signal (p.Trp85*) in the LRPPRC gene. It is expected to result in an absent or disrupted protein product. Loss-of-function variants in LRPPRC are known to be pathogenic (PMID: 26510951). This variant has not been reported in the literature in individuals with LRPPRC-related conditions. For these reasons, this variant has been classified as Pathogenic.

Literature cited by the submitters: PubMed 26510951 (cited by Labcorp Genetics (formerly Invitae), Labcorp).